The following is an entry in ClinVar:

NM_018136.5(ASPM):c.3741+3A>G

Gene: ASPM (assembly factor for spindle microtubules; minus strand). Cytogenetic location: 1q31.3.
Variant type: single nucleotide variant.
Coding change: c.3741+3A>G on transcript NM_018136.5 (MANE Select); 3 bases into the intron after coding-DNA position 3741, A replaced by G.
Molecular consequence: intron variant.
Genome position (GRCh38, 1-based): chr1:197,122,156, T>C on the plus strand (A>G on the coding strand, the complement: ASPM is on the minus strand). VCF-style: chr1-197122156-T-C. GRCh37 (hg19) VCF-style: chr1-197091286-T-C.
Other names: c.3741+3A>G (NM_001206846.2).
Identifiers: ClinVar variation 157808 (VCV000157808.52), dbSNP rs138558822, ClinGen allele CA171203.

ClinVar aggregate classification (germline): Benign/Likely benign. Review status: criteria provided, multiple submitters, no conflicts (2 of 4 stars). 12 submissions from 12 submitters: Benign (6); Likely benign (4). 2 of the submissions do not count toward it. Last evaluated 2026-01-22.

Conditions:
ASPM-related disorder. Also called: ASPM-related condition.
Microcephaly 5, primary, autosomal recessive (MCPH5). Also called: ASPM Primary Microcephaly. Identifiers: Orphanet 2512, MedGen C1837501, MONDO:0012106, OMIM 608716.

Allele frequency attached by ClinVar (database versions not stated): gnomAD 0.00594 and 0.00656; ESP Exome Variant Server 0.00616; TOPMed 0.00627 and 0.00588; gnomAD exomes 0.00056 and 0.00142; ExAC 0.00190; 1000 Genomes Project 0.00479; 1000 Genomes Project 30x 0.00547.
gnomAD v4.1: 1,763 of 1,607,948 alleles (0.11%); highest among the groups gnomAD compares: African/African-American, 2.1%; 24 homozygotes.

Submissions (12):

Labcorp Genetics (formerly Invitae), Labcorp
Classification: Benign. Last evaluated: 2026-01-22. Review status: criteria provided, single submitter. Criteria: Invitae Variant Classification Sherloc (09022015). Collection method: clinical testing. Allele origin: germline.

CeGaT Center for Human Genetics Tuebingen
Classification: Likely benign. Last evaluated: 2025-07-01. Review status: criteria provided, single submitter. Criteria: CeGaT Center For Human Genetics Tuebingen Variant Classification Criteria Version 2. Collection method: clinical testing. Allele origin: germline. Affected: yes. Observed: 5 variant alleles.
Comment: ASPM: BP4, BS1

Genome-Nilou Lab
Classification: Benign for Microcephaly 5, primary, autosomal recessive. Last evaluated: 2023-04-11. Review status: criteria provided, single submitter. Criteria: ACMG Guidelines, 2015. Collection method: clinical testing. Allele origin: germline. Affected: no.

Fulgent Genetics
Classification: Likely benign for Microcephaly 5, primary, autosomal recessive. Last evaluated: 2021-12-01. Review status: criteria provided, single submitter. Criteria: ACMG Guidelines, 2015. Collection method: clinical testing. Allele origin: unknown.

Athena Diagnostics
Classification: Benign. Last evaluated: 2019-07-08. Review status: criteria provided, single submitter. Criteria: Athena Diagnostics Criteria. Collection method: clinical testing. Allele origin: germline.

Illumina Laboratory Services, Illumina
Classification: Likely benign for Microcephaly 5, primary, autosomal recessive. Last evaluated: 2018-01-12. Review status: criteria provided, single submitter. Criteria: ICSL Variant Classification Criteria 13 December 2019. Collection method: clinical testing. Allele origin: germline.
Comment: This variant was observed in the ICSL laboratory as part of a predisposition screen in an ostensibly healthy population. It had not been previously curated by ICSL or reported in the Human Gene Mutation Database (HGMD: prior to June 1st, 2018), and was therefore a candidate for classification through an automated scoring system. Utilizing variant allele frequency, disease prevalence and penetrance estimates, and inheritance mode, an automated score was calculated to assess if this variant is too frequent to cause the disease. Based on the score and internal cut-off values, a variant classified as likely benign is not then subjected to further curation. The score for this variant resulted in a classification of likely benign for this disease.

GeneDx
Classification: Benign. Last evaluated: 2016-10-06. Review status: criteria provided, single submitter. Criteria: GeneDx Variant Classification (06012015). Collection method: clinical testing. Allele origin: germline. Affected: yes.
Comment: This variant is considered likely benign or benign based on one or more of the following criteria: it is a conservative change, it occurs at a poorly conserved position in the protein, it is predicted to be benign by multiple in silico algorithms, and/or has population frequency not consistent with disease.

Genetic Services Laboratory, University of Chicago
Classification: Benign. Last evaluated: 2016-06-14. Review status: criteria provided, single submitter. Criteria: ACMG Guidelines, 2015. Collection method: clinical testing. Allele origin: germline. Affected: no.

Eurofins Ntd Llc (ga)
Classification: Benign. Last evaluated: 2014-08-28. Review status: criteria provided, single submitter. Criteria: EGL Classification Definitions 2015. Collection method: clinical testing. Allele origin: germline. Observed: 1 variant allele, 1 heterozygote.

Breakthrough Genomics
Classification: Likely benign. Review status: criteria provided, single submitter. Criteria: ACMG Guidelines, 2015. Collection method: not provided. Allele origin: germline. Inheritance: Autosomal recessive inheritance. Affected: yes.

PreventionGenetics, part of Exact Sciences
Classification: Likely benign for ASPM-related condition. Last evaluated: 2020-11-10. Review status: no assertion criteria provided. Collection method: clinical testing. Allele origin: germline. Not counted in ClinVar's aggregate classification.
Comment: This variant is classified as likely benign based on ACMG/AMP sequence variant interpretation guidelines (Richards et al. 2015 PMID: 25741868, with internal and published modifications).

Service de Génétique Moléculaire, Hôpital Robert Debré
Classification: Likely benign for Microcephaly 5, primary, autosomal recessive. Review status: no assertion criteria provided. Collection method: clinical testing. Allele origin: unknown. Affected: yes. Not counted in ClinVar's aggregate classification.

Literature cited by the submitters: PubMed 29243349 (cited by Athena Diagnostics).